The following is an entry in ClinVar:

NM_022489.4(INF2):c.2138+12C>T

Gene: INF2 (inverted formin 2; plus strand). Cytogenetic location: 14q32.33.
Variant type: single nucleotide variant.
Coding change: c.2138+12C>T on transcript NM_022489.4 (MANE Select); 12 bases into the intron after coding-DNA position 2138, C replaced by T.
Molecular consequence: intron variant.
Genome position (GRCh38, 1-based): chr14:104,709,717, C>T. VCF-style: chr14-104709717-C-T. GRCh37 (hg19) VCF-style: chr14-105176054-C-T.
Other names: c.2138+12C>T (NM_001031714.4).
Identifiers: ClinVar variation 509007 (VCV000509007.11), dbSNP rs186410473, ClinGen allele CA7372832.
Genomic context (GRCh38, chr14:104,709,717, plus strand): 5'-AGCTGGCCAGCGCCGACCACTTCTACCTCCTCCTGCTGGCCATTCCCTGGTGAGCATGGC[C>T]GCCCTCAGACCCCAGGGCCTGGGCCCCAGGTGGGAGGAGAGCAGGAATAGGGAGCAGGGC-3'

ClinVar aggregate classification (germline): Benign/Likely benign. Review status: criteria provided, multiple submitters, no conflicts (2 of 4 stars). 3 submissions from 3 submitters: Benign (1); Likely benign (2). Last evaluated 2025-11-21.

Conditions:
Focal segmental glomerulosclerosis 5 (FSGS5). Identifiers: Orphanet 656, MedGen C2750475, MONDO:0013191, OMIM 613237.
Charcot-Marie-Tooth disease dominant intermediate E. Also called: CHARCOT-MARIE-TOOTH NEUROPATHY WITH FOCAL SEGMENTAL GLOMERULONEPHRITIS. Identifiers: Orphanet 93114, MedGen C4302667, MONDO:0013758, OMIM 614455.

Allele frequency attached by ClinVar (database versions not stated): gnomAD exomes 0.00007 and 0.00011; ExAC 0.00012; 1000 Genomes Project 30x 0.00031; 1000 Genomes Project 0.00040; ESP Exome Variant Server 0.00041; gnomAD 0.00049 and 0.00051; TOPMed 0.00055.
gnomAD v4.1: 182 of 1,610,020 alleles (0.011%); highest among the groups gnomAD compares: African/African-American, 0.16%; 1 homozygote.

Submissions (3):

Labcorp Genetics (formerly Invitae), Labcorp
Classification: Benign for Charcot-Marie-Tooth disease dominant intermediate E; Focal segmental glomerulosclerosis 5. Last evaluated: 2025-11-21. Review status: criteria provided, single submitter. Criteria: Invitae Variant Classification Sherloc (09022015). Collection method: clinical testing. Allele origin: germline.

Blueprint Genetics
Classification: Likely benign. Last evaluated: 2023-12-14. Review status: criteria provided, single submitter. Criteria: ACMG Guidelines, 2015. Collection method: clinical testing. Allele origin: germline.

GeneDx
Classification: Likely benign. Last evaluated: 2017-04-19. Review status: criteria provided, single submitter. Criteria: GeneDx Variant Classification (06012015). Collection method: clinical testing. Allele origin: germline. Affected: yes.
Comment: This variant is considered likely benign or benign based on one or more of the following criteria: it is a conservative change, it occurs at a poorly conserved position in the protein, it is predicted to be benign by multiple in silico algorithms, and/or has population frequency not consistent with disease.